The following is an entry in ClinVar:

NM_005159.4(ACTC1):c.*388G>A

Genes: GJD2-DT (GJD2 divergent transcript; plus strand), ACTC1 (actin alpha cardiac muscle 1; minus strand). Cytogenetic location: 15q14.
Variant type: single nucleotide variant.
Coding change: c.*388G>A on transcript NM_005159.4; 388 bases downstream of the stop codon, G replaced by A.
Genome position (GRCh38, 1-based): chr15:34,790,024, C>T on the plus strand (G>A on the coding strand, the complement: ACTC1 is on the minus strand). VCF-style: chr15-34790024-C-T. GRCh37 (hg19) VCF-style: chr15-35082225-C-T.
Identifiers: ClinVar variation 315694 (VCV000315694.10), dbSNP rs1370154, ClinGen allele CA10645768.
Genomic context (GRCh38, chr15:34,790,024, plus strand): 5'-AGCAACTAATTCTAGAGAACTATCTTATTCAATTTCATTTCTTACTTATATGGAACTAAA[C>T]CTTAATCTGCTTTTCAGGTATGAAATATATTCATGATTCTGTCTCAAAATATGAAATCAA-3'

ClinVar aggregate classification (germline): Benign. Review status: criteria provided, multiple submitters, no conflicts (2 of 4 stars). 4 submissions from 3 submitters: Benign (4). Last evaluated 2018-01-12.

Conditions:
Dilated cardiomyopathy 1R (CMD1R). Identifiers: Orphanet 154, Orphanet 54260, MedGen C3150681, MONDO:0013261, OMIM 613424.
Hypertrophic cardiomyopathy 11. Also called: ACTC1-Related Familial Hypertrophic Cardiomyopathy. Identifiers: MedGen C2677506, MONDO:0012799, OMIM 612098.

Allele frequency attached by ClinVar (database versions not stated): 1000 Genomes Project 0.27855; 1000 Genomes Project 30x 0.27936; TOPMed 0.25776.

Submissions (4):

Illumina Laboratory Services, Illumina
Classification: Benign for Hypertrophic cardiomyopathy 11. Last evaluated: 2018-01-12. Review status: criteria provided, single submitter. Criteria: ICSL Variant Classification Criteria 13 December 2019. Collection method: clinical testing. Allele origin: germline.
Comment: This variant was observed in the ICSL laboratory as part of a predisposition screen in an ostensibly healthy population. It had not been previously curated by ICSL or reported in the Human Gene Mutation Database (HGMD: prior to June 1st, 2018), and was therefore a candidate for classification through an automated scoring system. Utilizing variant allele frequency, disease prevalence and penetrance estimates, and inheritance mode, an automated score was calculated to assess if this variant is too frequent to cause the disease. Based on the score and internal cut-off values, a variant classified as benign is not then subjected to further curation. The score for this variant resulted in a classification of benign for this disease.

Illumina Laboratory Services, Illumina
Classification: Benign for Dilated cardiomyopathy 1R. Last evaluated: 2018-01-12. Review status: criteria provided, single submitter. Criteria: ICSL Variant Classification Criteria 13 December 2019. Collection method: clinical testing. Allele origin: germline.
Comment: the same text as in the submission from Illumina Laboratory Services, Illumina above.

GeneDx
Classification: Benign. Last evaluated: 2015-03-03. Review status: criteria provided, single submitter. Criteria: GeneDx Variant Classification Process June 2021. Collection method: clinical testing. Allele origin: germline. Affected: yes.

Breakthrough Genomics
Classification: Benign. Review status: criteria provided, single submitter. Criteria: ACMG Guidelines, 2015. Collection method: not provided. Allele origin: germline. Inheritance: Autosomal dominant inheritance. Affected: yes.